The following is an entry in ClinVar:

ClinVar aggregate classification (germline): Uncertain significance. Review status: criteria provided, multiple submitters, no conflicts (2 of 4 stars). 3 submissions from 3 submitters: Uncertain significance (3). Last evaluated 2026-02-17.

Conditions:
Inborn genetic diseases. Identifiers: MedGen C0950123, MeSH D030342.
Epidermolysis bullosa simplex with nail dystrophy (EBS5D). Identifiers: MedGen C4225309, MONDO:0014661, OMIM 616487.
Autosomal recessive limb-girdle muscular dystrophy type 2Q (LGMDR17). Also called: MUSCULAR DYSTROPHY, LIMB-GIRDLE, AUTOSOMAL RECESSIVE 17. Identifiers: Orphanet 254361, MedGen C3150989, MONDO:0013390, OMIM 613723.
Epidermolysis bullosa simplex 5B, with muscular dystrophy (EBS5B). Also called: EPIDERMOLYSIS BULLOSA SIMPLEX AND LIMB-GIRDLE MUSCULAR DYSTROPHY; Epidermolysis bullosa simplex with muscular dystrophy. Identifiers: Orphanet 257, MedGen C2931072, MONDO:0009181, OMIM 226670.
Epidermolysis bullosa simplex, Ogna type (EBS5A). Also called: Pidermolysis bullosa simplex 5A, Ogna type; EPIDERMOLYSIS BULLOSA SIMPLEX 5A, OGNA TYPE. Identifiers: Orphanet 79401, MedGen C0432317, MONDO:0007555, OMIM 131950.
Epidermolysis bullosa simplex 5C, with pyloric atresia (EBS5C). Also called: PLEC1-Related Epidermolysis Bullosa with Pyloric Atresia; Epidermolysis bullosa simplex with pyloric atresia; PLEC-Related Epidermolysis Bullosa with Pyloric Atresia. Identifiers: Orphanet 158684, MedGen C2677349, MONDO:0012807, OMIM 612138.

Allele frequency attached by ClinVar (database versions not stated): gnomAD 0.00001; TOPMed 0.00001.
gnomAD v4.1: 1 of 1,612,062 alleles (0.000062%); highest among the groups gnomAD compares: Non-Finnish European, 0.000085%; no homozygotes.

Submissions (3):

Ambry Genetics
Classification: Uncertain significance for Inborn genetic diseases. Last evaluated: 2026-02-17. Review status: criteria provided, single submitter. Criteria: Ambry Variant Classification Scheme 2023. Collection method: clinical testing. Allele origin: germline.
Comment: The c.1814A>G (p.D605G) alteration is located in exon 15 (coding exon 14) of the PLEC gene. This alteration results from a A to G substitution at nucleotide position 1814, causing the aspartic acid (D) at amino acid position 605 to be replaced by a glycine (G). Based on data from gnomAD, the G allele has an overall frequency of 0.003% (1/31362) total alleles studied. The highest observed frequency was 0.007% (1/15414) of European (non-Finnish) alleles. Based on insufficient or conflicting evidence, the clinical significance of this alteration remains unclear.

Labcorp Genetics (formerly Invitae), Labcorp
Classification: Uncertain significance for Autosomal recessive limb-girdle muscular dystrophy type 2Q; Epidermolysis bullosa simplex, Ogna type; Epidermolysis bullosa simplex with nail dystrophy; Epidermolysis bullosa simplex 5C, with pyloric atresia; Epidermolysis bullosa simplex 5B, with muscular dystrophy. Last evaluated: 2025-10-02. Review status: criteria provided, single submitter. Criteria: Invitae Variant Classification Sherloc (09022015). Collection method: clinical testing. Allele origin: germline.
Comment: This sequence change replaces aspartic acid, which is acidic and polar, with glycine, which is neutral and non-polar, at codon 605 of the PLEC protein (p.Asp605Gly). This variant is present in population databases (no rsID available, gnomAD 0.007%). This variant has not been reported in the literature in individuals affected with PLEC-related conditions. ClinVar contains an entry for this variant (Variation ID: 281224). Invitae Evidence Modeling of protein sequence and biophysical properties (such as structural, functional, and spatial information, amino acid conservation, physicochemical variation, residue mobility, and thermodynamic stability) has been performed for this missense variant. However, the output from this modeling did not meet the statistical confidence thresholds required to predict the impact of this variant on PLEC protein function. In summary, the available evidence is currently insufficient to determine the role of this variant in disease. Therefore, it has been classified as a Variant of Uncertain Significance.

Eurofins Ntd Llc (ga)
Classification: Uncertain significance. Last evaluated: 2015-09-08. Review status: criteria provided, single submitter. Criteria: EGL Classification Definitions 2015. Collection method: clinical testing. Allele origin: germline. Observed: 1 variant allele, 1 heterozygote.

NM_201384.3(PLEC):c.1733A>G (p.Asp578Gly)

Gene: PLEC (plectin; minus strand). Cytogenetic location: 8q24.3.
Variant type: single nucleotide variant.
Coding change: c.1733A>G on transcript NM_201384.3 (MANE Select); coding-DNA position 1733, A replaced by G.
Protein change: p.Asp578Gly; replaces aspartic acid 578 with glycine.
Molecular consequence: missense variant.
Genome position (GRCh38, 1-based): chr8:143,932,797, T>C on the plus strand (A>G on the coding strand, the complement: PLEC is on the minus strand). VCF-style: chr8-143932797-T-C. GRCh37 (hg19) VCF-style: chr8-145006965-T-C.
Other names: c.1814A>G, p.Asp605Gly (NM_000445.5); c.1691A>G, p.Asp564Gly (NM_201378.4); c.1667A>G, p.Asp556Gly (NM_201379.3); c.2144A>G, p.Asp715Gly (NM_201380.4); c.1637A>G, p.Asp546Gly (NM_201381.3); c.1733A>G, p.Asp578Gly (NM_201382.4); c.1745A>G, p.Asp582Gly (NM_201383.3); c.1814A>G (NM_000445.3); short protein forms D578G, D715G, D546G, D556G, D582G, D564G, D605G.
Identifiers: ClinVar variation 281224 (VCV000281224.10), dbSNP rs886044773, ClinGen allele CA10603823.
Genomic context (GRCh38, chr8:143,932,797, plus strand): 5'-CTGCAGTGGCTGGGCCCGGCCCACCCCCGCACTGCCCATCGCTCAGCGCCACCCACCTCG[T>C]CACTCCGTGCCCGCTCGATCTTGGCCCGGAATTCTTCGATGGACTGGTGCAGGCCTCGGT-3'
Protein context (NP_958786.1, residues 568-588): FRAKIERARS[Asp578Gly]EGQLSPATRG